The following is an entry in ClinVar:

ClinVar aggregate classification (germline): Uncertain significance. Review status: criteria provided, multiple submitters, no conflicts (2 of 4 stars). 4 submissions from 4 submitters: Uncertain significance (4). Last evaluated 2024-06-04.

Conditions:
Inborn genetic diseases. Identifiers: MedGen C0950123, MeSH D030342.
Osteogenesis imperfecta type 9 (OI9). Also called: Oi type IX; OI 9; Osteogenesis imperfecta sillence type II/III without abnormality of type I collagen. Identifiers: MedGen C1850169, MONDO:0009805, OMIM 259440.

Allele frequency attached by ClinVar (database versions not stated): TOPMed 0.00004; ExAC 0.00005; gnomAD 0.00005 and 0.00006; gnomAD exomes 0.00005 and 0.00008; ESP Exome Variant Server 0.00008.

Submissions (4):

Fulgent Genetics
Classification: Uncertain significance for Osteogenesis imperfecta type 9. Last evaluated: 2024-06-04. Review status: criteria provided, single submitter. Criteria: ACMG Guidelines, 2015. Collection method: clinical testing. Allele origin: germline.

Ambry Genetics
Classification: Uncertain significance for Inborn genetic diseases. Last evaluated: 2023-12-21. Review status: criteria provided, single submitter. Criteria: Ambry Variant Classification Scheme 2023. Collection method: clinical testing. Allele origin: germline.

Women's Health and Genetics/Laboratory Corporation of America, LabCorp
Classification: Uncertain significance. Last evaluated: 2022-02-18. Review status: criteria provided, single submitter. Criteria: LabCorp Variant Classification Summary - May 2015. Collection method: clinical testing. Allele origin: germline.

Labcorp Genetics (formerly Invitae), Labcorp
Classification: Uncertain significance. Last evaluated: 2021-08-11. Review status: criteria provided, single submitter. Criteria: Invitae Variant Classification Sherloc (09022015). Collection method: clinical testing. Allele origin: germline.
Comment: This sequence change replaces asparagine with serine at codon 75 of the PPIB protein (p.Asn75Ser). The asparagine residue is highly conserved and there is a small physicochemical difference between asparagine and serine. This variant is present in population databases (rs202087362, ExAC 0.009%). This variant has not been reported in the literature in individuals affected with PPIB-related conditions. Algorithms developed to predict the effect of missense changes on protein structure and function (SIFT, PolyPhen-2, Align-GVGD) all suggest that this variant is likely to be disruptive. In summary, the available evidence is currently insufficient to determine the role of this variant in disease. Therefore, it has been classified as a Variant of Uncertain Significance.

NM_000942.5(PPIB):c.224A>G (p.Asn75Ser)

Gene: PPIB (peptidylprolyl isomerase B; minus strand). Cytogenetic location: 15q22.31.
Variant type: single nucleotide variant.
Coding change: c.224A>G on transcript NM_000942.5 (MANE Select); coding-DNA position 224, A replaced by G.
Protein change: p.Asn75Ser; replaces asparagine 75 with serine.
Molecular consequence: missense variant.
Genome position (GRCh38, 1-based): chr15:64,162,066, T>C on the plus strand (A>G on the coding strand, the complement: PPIB is on the minus strand). VCF-style: chr15-64162066-T-C. GRCh37 (hg19) VCF-style: chr15-64454265-T-C.
Other names: short protein forms N75S.
Identifiers: ClinVar variation 1343507 (VCV001343507.6), dbSNP rs202087362, ClinGen allele CA7608568.